The following is an entry in ClinVar:

ClinVar aggregate classification (germline): Uncertain significance (1 of 4 stars; one submission).

Submission:

GeneDx
Classification: Uncertain significance. Last evaluated: 2020-01-11. Review status: criteria provided, single submitter. Criteria: GeneDx Variant Classification Process June 2021. Collection method: clinical testing. Allele origin: germline. Affected: yes.
Comment: Not observed in large population cohorts (Lek et al., 2016); In silico analysis, which includes protein predictors and evolutionary conservation, supports a deleterious effect; Has not been previously published as pathogenic or benign to our knowledge

NM_001365902.3(NFIX):c.41C>G (p.Pro14Arg)

Gene: NFIX (nuclear factor I X; plus strand). Cytogenetic location: 19p13.13.
Variant type: single nucleotide variant.
Coding change: c.41C>G on transcript NM_001365902.3 (MANE Select); coding-DNA position 41, C replaced by G.
Protein change: p.Pro14Arg; replaces proline 14 with arginine.
Molecular consequence: missense variant. On other transcripts: 5 prime UTR variant (1).
Genome position (GRCh38, 1-based): chr19:13,025,034, C>G. VCF-style: chr19-13025034-C-G. GRCh37 (hg19) VCF-style: chr19-13135848-C-G.
Other names: c.65C>G, p.Pro22Arg (NM_001271043.2); c.17C>G, p.Pro6Arg (NM_001271044.3, NM_001378404.1); c.41C>G, p.Pro14Arg (NM_001365982.2, NM_002501.4); c.-101C>G (NM_001365983.2); c.38C>G, p.Pro13Arg (NM_001365984.2, NM_001365985.2); c.89C>G, p.Pro30Arg (NM_001378405.1); short protein forms P13R, P14R, P22R, P30R, P6R.
Identifiers: ClinVar variation 1206982 (VCV001206982.3), dbSNP rs1041237175, ClinGen allele CA404312419.